The following is an entry in ClinVar:

NM_004176.5(SREBF1):c.544C>G (p.Gln182Glu)

Gene: SREBF1 (sterol regulatory element binding transcription factor 1; minus strand). Cytogenetic location: 17p11.2.
Variant type: single nucleotide variant.
Coding change: c.544C>G on transcript NM_004176.5 (MANE Select); coding-DNA position 544, C replaced by G.
Protein change: p.Gln182Glu; replaces glutamine 182 with glutamic acid.
Molecular consequence: missense variant. On other transcripts: non-coding transcript variant (4).
Genome position (GRCh38, 1-based): chr17:17,819,705, G>C on the plus strand (C>G on the coding strand, the complement: SREBF1 is on the minus strand). VCF-style: chr17-17819705-G-C. GRCh37 (hg19) VCF-style: chr17-17723019-G-C.
Other names: c.634C>G, p.Gln212Glu (NM_001005291.3); c.472C>G, p.Gln158Glu (NM_001321096.3); c.544C>G, p.Gln182Glu (NM_001388385.1, NM_001388386.1, NM_001388387.1 and 6 more transcripts); c.112C>G, p.Gln38Glu (NM_001388394.1); short protein forms Q158E, Q182E, Q212E, Q38E.
Identifiers: ClinVar variation 4534168 (VCV004534168.6).

ClinVar aggregate classification (germline): Benign (1 of 4 stars; one submission).

gnomAD v4.1: 434 of 1,606,702 alleles (0.027%); highest among the groups gnomAD compares: East Asian, 0.61%; 3 homozygotes.

Submission:

CeGaT Center for Human Genetics Tuebingen
Classification: Benign. Last evaluated: 2025-11-01. Review status: criteria provided, single submitter. Criteria: CeGaT Center For Human Genetics Tuebingen Variant Classification Criteria Version 2. Collection method: clinical testing. Allele origin: germline. Affected: yes. Observed: 1 variant allele.
Comment: SREBF1: BP4, BS1, BS2